The following is an entry in ClinVar:

ClinVar aggregate classification (germline): Likely benign (1 of 4 stars; one submission).

Conditions:
POLD1-related polyposis and colorectal cancer syndrome (CRCS10). Also called: Colorectal cancer 10; COLORECTAL CANCER, SUSCEPTIBILITY TO, ON CHROMOSOME 19q; Colorectal cancer, susceptibility to, 10. Identifiers: Orphanet 220460, MedGen C2675481, MONDO:0012953, OMIM 612591.

Submission:

Myriad Genetics, Inc.
Classification: Likely benign for POLD1-related polyposis and colorectal cancer syndrome. Last evaluated: 2025-02-05. Review status: criteria provided, single submitter. Criteria: Myriad Autosomal Dominant, Autosomal Recessive and X-Linked Classification Criteria (2023). Collection method: clinical testing. Allele origin: unknown.
Comment: This variant is considered likely benign. This variant is intronic and is not expected to impact mRNA splicing.

NM_002691.4(POLD1):c.970+10C>G

Gene: POLD1 (DNA polymerase delta 1, catalytic subunit; plus strand). Cytogenetic location: 19q13.33.
Variant type: single nucleotide variant.
Coding change: c.970+10C>G on transcript NM_002691.4 (MANE Select); 10 bases into the intron after coding-DNA position 970, C replaced by G.
Molecular consequence: intron variant.
Genome position (GRCh38, 1-based): chr19:50,402,751, C>G. VCF-style: chr19-50402751-C-G. GRCh37 (hg19) VCF-style: chr19-50906008-C-G.
Other names: c.970+10C>G (NM_001256849.1, NM_001308632.1).
Identifiers: ClinVar variation 3904644 (VCV003904644.1).